The following is an entry in ClinVar:

ClinVar aggregate classification (germline): Uncertain significance (1 of 4 stars; one submission).

Conditions:
Autosomal recessive limb-girdle muscular dystrophy type 2F (LGMDR6). Also called: Muscular dystrophy limb-girdle with delta-sarcoglyan deficiency; MUSCULAR DYSTROPHY, LIMB-GIRDLE, AUTOSOMAL RECESSIVE 6. Identifiers: Orphanet 219, MedGen C1832525, MONDO:0011028, OMIM 601287. Disease mechanism: Affects gamma-sarcoglycan and also disrupts the integrity of the entire sarcoglycan complex..

Submission:

Labcorp Genetics (formerly Invitae), Labcorp
Classification: Uncertain significance for Autosomal recessive limb-girdle muscular dystrophy type 2F. Last evaluated: 2022-09-01. Review status: criteria provided, single submitter. Criteria: Invitae Variant Classification Sherloc (09022015). Collection method: clinical testing. Allele origin: germline.
Comment: This sequence change replaces valine, which is neutral and non-polar, with leucine, which is neutral and non-polar, at codon 265 of the SGCD protein (p.Val265Leu). This variant is not present in population databases (gnomAD no frequency). This variant has not been reported in the literature in individuals affected with SGCD-related conditions. Algorithms developed to predict the effect of missense changes on protein structure and function (SIFT, PolyPhen-2, Align-GVGD) all suggest that this variant is likely to be tolerated. In summary, the available evidence is currently insufficient to determine the role of this variant in disease. Therefore, it has been classified as a Variant of Uncertain Significance.

NM_000337.6(SGCD):c.793G>C (p.Val265Leu)

Gene: SGCD (sarcoglycan delta; plus strand). Cytogenetic location: 5q33.3.
Variant type: single nucleotide variant.
Coding change: c.793G>C on transcript NM_000337.6 (MANE Select); coding-DNA position 793, G replaced by C.
Protein change: p.Val265Leu; replaces valine 265 with leucine.
Molecular consequence: missense variant.
Genome position (GRCh38, 1-based): chr5:156,759,310, G>C. VCF-style: chr5-156759310-G-C. GRCh37 (hg19) VCF-style: chr5-156186321-G-C.
Other names: c.790G>C, p.Val264Leu (NM_001128209.2); short protein forms V264L, V265L.
Identifiers: ClinVar variation 1932290 (VCV001932290.2), dbSNP rs772185467, ClinGen allele CA362009534.